The following is an entry in ClinVar:

NM_003922.4(HERC1):c.3074A>G (p.His1025Arg)

Gene: HERC1 (HECT and RLD domain containing E3 ubiquitin protein ligase family member 1; minus strand). Cytogenetic location: 15q22.31.
Variant type: single nucleotide variant.
Coding change: c.3074A>G on transcript NM_003922.4 (MANE Select); coding-DNA position 3074, A replaced by G.
Protein change: p.His1025Arg; replaces histidine 1025 with arginine.
Molecular consequence: missense variant.
Genome position (GRCh38, 1-based): chr15:63,729,316, T>C on the plus strand (A>G on the coding strand, the complement: HERC1 is on the minus strand). VCF-style: chr15-63729316-T-C. GRCh37 (hg19) VCF-style: chr15-64021515-T-C.
Other names: short protein forms H1025R.
Identifiers: ClinVar variation 4086659 (VCV004086659.1).

ClinVar aggregate classification (germline): Uncertain significance (1 of 4 stars; one submission).

Submission:

GeneDx
Classification: Uncertain significance. Last evaluated: 2025-03-17. Review status: criteria provided, single submitter. Criteria: GeneDx Variant Classification Process June 2021. Collection method: clinical testing. Allele origin: germline. Affected: yes.
Comment: Not observed at significant frequency in large population cohorts (gnomAD); In silico analysis supports that this missense variant has a deleterious effect on protein structure/function; Has not been previously published as pathogenic or benign to our knowledge